The following is an entry in ClinVar:

ClinVar aggregate classification (germline): Uncertain significance (1 of 4 stars; one submission).

Conditions:
Charcot-Marie-Tooth disease, type I (CMT1). Also called: Charcot-Marie-Tooth disease type 1; Charcot-Marie-Tooth, Type 1. Identifiers: Orphanet 65753, MedGen C0751036, MONDO:0019011.

Submission:

Labcorp Genetics (formerly Invitae), Labcorp
Classification: Uncertain significance for Charcot-Marie-Tooth disease, type I. Last evaluated: 2024-05-20. Review status: criteria provided, single submitter. Criteria: Invitae Variant Classification Sherloc (09022015). Collection method: clinical testing. Allele origin: germline.
Comment: This sequence change replaces phenylalanine, which is neutral and non-polar, with cysteine, which is neutral and slightly polar, at codon 80 of the MPZ protein (p.Phe80Cys). This variant is not present in population databases (gnomAD no frequency). This variant has not been reported in the literature in individuals affected with MPZ-related conditions. Advanced modeling of protein sequence and biophysical properties (such as structural, functional, and spatial information, amino acid conservation, physicochemical variation, residue mobility, and thermodynamic stability) performed at Invitae indicates that this missense variant is expected to disrupt MPZ protein function with a positive predictive value of 80%. In summary, the available evidence is currently insufficient to determine the role of this variant in disease. Therefore, it has been classified as a Variant of Uncertain Significance.

NM_000530.8(MPZ):c.239T>G (p.Phe80Cys)

Gene: MPZ (myelin protein zero; minus strand). Cytogenetic location: 1q23.3.
Variant type: single nucleotide variant.
Coding change: c.239T>G on transcript NM_000530.8 (MANE Select); coding-DNA position 239, T replaced by G.
Protein change: p.Phe80Cys; replaces phenylalanine 80 with cysteine.
Molecular consequence: missense variant.
Genome position (GRCh38, 1-based): chr1:161,306,917, A>C on the plus strand (T>G on the coding strand, the complement: MPZ is on the minus strand). VCF-style: chr1-161306917-A-C. GRCh37 (hg19) VCF-style: chr1-161276707-A-C.
Other names: c.239T>G, p.Phe80Cys (NM_001315491.2); short protein forms F80C.
Identifiers: ClinVar variation 3718595 (VCV003718595.2).
Genomic context (GRCh38, chr1:161,306,917, plus strand): 5'-TGGATGCGCTCTTTGAAGGTCCCCACCTCGTCAATGTAGGGTTGTCCCTTGGCATAGTGG[A>C]AGATCTATGAGGAATGAGGGGAAGCATGTGAGAGGACCCTAATGAGAACACAGCTGTCAA-3'
Protein context (NP_000521.2, residues 70-90): PEGGRDAISI[Phe80Cys]HYAKGQPYID